The following is an entry in ClinVar:

NM_015311.3(OBSL1):c.3671del (p.Glu1224fs)

Gene: OBSL1 (obscurin like cytoskeletal adaptor 1; minus strand). Cytogenetic location: 2q35.
Variant type: Deletion.
Coding change: c.3671del on transcript NM_015311.3 (MANE Select); coding-DNA position 3671, one base deleted (A; older notation c.3671delA).
Protein change: p.Glu1224fs; shifts the reading frame from glutamic acid 1224.
Molecular consequence: frameshift variant.
Genome position (GRCh38, 1-based): chr2:219,557,942, T deleted on the plus strand (A on the coding strand, the reverse complement: OBSL1 is on the minus strand). VCF-style (leftmost placement, unchanged base first): chr2-219557941-CT-C. GRCh37 (hg19) VCF-style: chr2-220422663-CT-C.
Other names: c.3671del, p.Glu1224fs (NM_001173431.2); short protein forms E1224fs.
Identifiers: ClinVar variation 1369612 (VCV001369612.5), dbSNP rs1488625153, ClinGen allele CA539844249.
Genomic context (GRCh38, chr2:219,557,941, plus strand): 5'-GGTGTAGAGCCCTGCATGGGCTGGGCCTGCAGCCTGGATGCAGAGGACTCGGCGGGGGCC[CT>C]CGGCATGGAGCTCTAGGCCCTCGCCCTCCTGCACGGGCCTCCCATTGTGGCTCCAGACCA-3'

ClinVar aggregate classification (germline): Uncertain significance (1 of 4 stars; one submission).

Allele frequency attached by ClinVar (database versions not stated): gnomAD exomes below 0.00001; TOPMed 0.00003; gnomAD 0.00006.

Submission:

Labcorp Genetics (formerly Invitae), Labcorp
Classification: Uncertain significance. Last evaluated: 2021-07-12. Review status: criteria provided, single submitter. Criteria: Invitae Variant Classification Sherloc (09022015). Collection method: clinical testing. Allele origin: germline.
Comment: This sequence change creates a premature translational stop signal (p.Glu1224Glyfs*47) in the OBSL1 gene. However, it is currently unclear if variants that occur in this region of the gene cause disease. This variant is not present in population databases (ExAC no frequency). This variant has not been reported in the literature in individuals affected with OBSL1-related conditions. In summary, the available evidence is currently insufficient to determine the role of this variant in disease. Therefore, it has been classified as a Variant of Uncertain Significance.